The following is an entry in ClinVar:

ClinVar aggregate classification (germline): Uncertain significance. Review status: criteria provided, multiple submitters, no conflicts (2 of 4 stars). 2 submissions from 2 submitters: Uncertain significance (2). Last evaluated 2025-01-02.

Conditions:
Severe early-childhood-onset retinal dystrophy (STGD1). Also called: Stargardt macular dystrophy; Juvenile onset macular degeneration; Stargardt disease 1; MACULAR DYSTROPHY WITH FLECKS, TYPE 1; STGD. Identifiers: Orphanet 364055, Orphanet 827, MedGen C1855465, MeSH D000080362, MONDO:0009549, OMIM 248200.

Submissions (2):

Revvity Omics, Revvity
Classification: Uncertain significance. Last evaluated: 2025-01-02. Review status: criteria provided, single submitter. Criteria: ACMG Guidelines, 2015. Collection method: clinical testing. Allele origin: germline.

Institute of Human Genetics, University of Leipzig Medical Center
Classification: Uncertain significance for Severe early-childhood-onset retinal dystrophy. Last evaluated: 2022-06-28. Review status: criteria provided, single submitter. Criteria: ACMG Guidelines, 2015. Collection method: clinical testing. Allele origin: unknown. Affected: yes.
Comment: This variant was identified together with _x000D_NM_000350.3:c.5714+5G>. Criteria applied: PM2_SUP, PP3

NM_000350.3(ABCA4):c.2099G>T (p.Trp700Leu)

Gene: ABCA4 (ATP binding cassette subfamily A member 4; minus strand). Cytogenetic location: 1p22.1.
Variant type: single nucleotide variant.
Coding change: c.2099G>T on transcript NM_000350.3 (MANE Select); coding-DNA position 2099, G replaced by T.
Protein change: p.Trp700Leu; replaces tryptophan 700 with leucine.
Molecular consequence: missense variant.
Genome position (GRCh38, 1-based): chr1:94,060,598, C>A on the plus strand (G>T on the coding strand, the complement: ABCA4 is on the minus strand). VCF-style: chr1-94060598-C-A. GRCh37 (hg19) VCF-style: chr1-94526154-C-A.
Other names: c.2099G>T, p.Trp700Leu (NM_001425324.1); short protein forms W700L.
Identifiers: ClinVar variation 1697298 (VCV001697298.2), dbSNP rs61749425, ClinGen allele CA341278545.